The following is an entry in ClinVar:

ClinVar aggregate classification (germline): Uncertain significance. Review status: criteria provided, multiple submitters, no conflicts (2 of 4 stars). 2 submissions from 2 submitters: Uncertain significance (2). Last evaluated 2026-07-26.

Conditions:
Cutis laxa, autosomal recessive, type 1B (ARCL1B). Also called: CUTIS LAXA, AUTOSOMAL RECESSIVE, TYPE IB; EFEMP2-Related Cutis Laxa. Identifiers: Orphanet 90349, MedGen C3280798, MONDO:0013754, OMIM 614437. Disease mechanism: loss of function.
Cardiovascular phenotype. Identifiers: MedGen CN230736.

Submissions (2):

Ambry Genetics
Classification: Uncertain significance for Cardiovascular phenotype. Last evaluated: 2026-07-26. Review status: criteria provided, single submitter. Criteria: Ambry Variant Classification Scheme 2023. Collection method: clinical testing. Allele origin: germline.
Comment: The p.Y388H variant (also known as c.1162T>C), located in coding exon 9 of the EFEMP2 gene, results from a T to C substitution at nucleotide position 1162. The tyrosine at codon 388 is replaced by histidine, an amino acid with similar properties. This amino acid position is conserved. In addition, this alteration is predicted to be deleterious by in silico analysis. Based on the available evidence, the clinical significance of this variant remains unclear.

Labcorp Genetics (formerly Invitae), Labcorp
Classification: Uncertain significance for Cutis laxa, autosomal recessive, type 1B. Last evaluated: 2022-07-30. Review status: criteria provided, single submitter. Criteria: Invitae Variant Classification Sherloc (09022015). Collection method: clinical testing. Allele origin: germline.
Comment: This variant is not present in population databases (gnomAD no frequency). In summary, the available evidence is currently insufficient to determine the role of this variant in disease. Therefore, it has been classified as a Variant of Uncertain Significance. Algorithms developed to predict the effect of missense changes on protein structure and function (SIFT, PolyPhen-2, Align-GVGD) all suggest that this variant is likely to be disruptive. This variant has not been reported in the literature in individuals affected with EFEMP2-related conditions. This sequence change replaces tyrosine, which is neutral and polar, with histidine, which is basic and polar, at codon 388 of the EFEMP2 protein (p.Tyr388His).

NM_016938.5(EFEMP2):c.1162T>C (p.Tyr388His)

Gene: EFEMP2 (EGF-like fibulin extracellular matrix protein 2; minus strand). Cytogenetic location: 11q13.1.
Variant type: single nucleotide variant.
Coding change: c.1162T>C on transcript NM_016938.5 (MANE Select); coding-DNA position 1162, T replaced by C.
Protein change: p.Tyr388His; replaces tyrosine 388 with histidine.
Molecular consequence: missense variant. On other transcripts: non-coding transcript variant (1).
Genome position (GRCh38, 1-based): chr11:65,867,869, A>G on the plus strand (T>C on the coding strand, the complement: EFEMP2 is on the minus strand). VCF-style: chr11-65867869-A-G. GRCh37 (hg19) VCF-style: chr11-65635340-A-G.
Other names: c.1162T>C (NM_016938.4); short protein forms Y388H.
Identifiers: ClinVar variation 2176895 (VCV002176895.5), dbSNP rs2495572330, ClinGen allele CA381350555.